The following is an entry in ClinVar:

NM_003803.4(MYOM1):c.4657G>A (p.Glu1553Lys)

Gene: MYOM1 (myomesin 1; minus strand). Cytogenetic location: 18p11.31.
Variant type: single nucleotide variant.
Coding change: c.4657G>A on transcript NM_003803.4 (MANE Select); coding-DNA position 4657, G replaced by A.
Protein change: p.Glu1553Lys; replaces glutamic acid 1553 with lysine.
Molecular consequence: missense variant.
Genome position (GRCh38, 1-based): chr18:3,075,753, C>T on the plus strand (G>A on the coding strand, the complement: MYOM1 is on the minus strand). VCF-style: chr18-3075753-C-T. GRCh37 (hg19) VCF-style: chr18-3075751-C-T.
Other names: c.4369G>A, p.Glu1457Lys (NM_019856.2); short protein forms E1457K, E1553K.
Identifiers: ClinVar variation 935744 (VCV000935744.10), dbSNP rs1261394354, ClinGen allele CA401707553.
Genomic context (GRCh38, chr18:3,075,753, plus strand): 5'-GCAAGTGGCATTTGCTAGGACCAGGGACTTACTTCAACCTCTGGAATTCAGCATAGGCCT[C>T]ATCGTATGCTTTAAAAGAAAAAAGAAAAGTTAGAATTTTCTCACCCAGAATTGATGACAC-3'
Protein context (NP_003794.3, residues 1543-1563): TVDLSGQAYD[Glu1553Lys]AYAEFQRLKQ

ClinVar aggregate classification (germline): Uncertain significance. Review status: criteria provided, multiple submitters, no conflicts (2 of 4 stars). 2 submissions from 2 submitters: Uncertain significance (2). Last evaluated 2025-07-30.

Conditions:
Hypertrophic cardiomyopathy. Also called: HYPERTROPHIC MYOCARDIOPATHY. Identifiers: Orphanet 217569, MedGen C0007194, MeSH D002312, MONDO:0005045, HP:0001639.

Allele frequency attached by ClinVar (database versions not stated): gnomAD exomes below 0.00001; TOPMed 0.00001.
gnomAD v4.1: 4 of 1,592,556 alleles (0.00025%); highest among the groups gnomAD compares: Non-Finnish European, 0.00034%; no homozygotes.

Submissions (2):

Labcorp Genetics (formerly Invitae), Labcorp
Classification: Uncertain significance for Hypertrophic cardiomyopathy. Last evaluated: 2025-07-30. Review status: criteria provided, single submitter. Criteria: Invitae Variant Classification Sherloc (09022015). Collection method: clinical testing. Allele origin: germline.
Comment: This sequence change replaces glutamic acid, which is acidic and polar, with lysine, which is basic and polar, at codon 1553 of the MYOM1 protein (p.Glu1553Lys). The frequency data for this variant in the population databases is considered unreliable, as metrics indicate poor data quality at this position in the gnomAD database. This variant has not been reported in the literature in individuals affected with MYOM1-related conditions. ClinVar contains an entry for this variant (Variation ID: 935744). Invitae Evidence Modeling of protein sequence and biophysical properties (such as structural, functional, and spatial information, amino acid conservation, physicochemical variation, residue mobility, and thermodynamic stability) indicates that this missense variant is not expected to disrupt MYOM1 protein function with a negative predictive value of 80%. Algorithms developed to predict the effect of sequence changes on RNA splicing suggest that this variant may disrupt the consensus splice site. In summary, the available evidence is currently insufficient to determine the role of this variant in disease. Therefore, it has been classified as a Variant of Uncertain Significance.

Ambry Genetics
Classification: Uncertain significance. Last evaluated: 2024-11-05. Review status: criteria provided, single submitter. Criteria: Ambry Variant Classification Scheme 2023. Collection method: clinical testing. Allele origin: germline.
Comment: The p.E1553K variant (also known as c.4657G>A), located in coding exon 34 of the MYOM1 gene, results from a G to A substitution at nucleotide position 4657. The glutamic acid at codon 1553 is replaced by lysine, an amino acid with similar properties. This amino acid position is conserved. In addition, this alteration is predicted to be tolerated by in silico analysis. Based on the available evidence, the clinical significance of this variant remains unclear.